The following is an entry in ClinVar:

ClinVar aggregate classification (germline): Uncertain significance (1 of 4 stars; one submission).

Allele frequency attached by ClinVar (database versions not stated): gnomAD exomes below 0.00001; TOPMed below 0.00001; gnomAD 0.00001.
gnomAD v4.1: 3 of 1,613,340 alleles (0.00019%); highest among the groups gnomAD compares: Non-Finnish European, 0.00025%; no homozygotes.

Submission:

GeneDx
Classification: Uncertain significance. Last evaluated: 2020-10-26. Review status: criteria provided, single submitter. Criteria: GeneDx Variant Classification Process June 2021. Collection method: clinical testing. Allele origin: germline. Affected: yes.
Comment: In silico analysis supports that this missense variant has a deleterious effect on protein structure/function; Has not been previously published as pathogenic or benign to our knowledge

NM_015192.4(PLCB1):c.2731G>A (p.Glu911Lys)

Gene: PLCB1 (phospholipase C beta 1; plus strand). Cytogenetic location: 20p12.3.
Variant type: single nucleotide variant.
Coding change: c.2731G>A on transcript NM_015192.4 (MANE Select); coding-DNA position 2731, G replaced by A.
Protein change: p.Glu911Lys; replaces glutamic acid 911 with lysine.
Molecular consequence: missense variant.
Genome position (GRCh38, 1-based): chr20:8,765,159, G>A. VCF-style: chr20-8765159-G-A. GRCh37 (hg19) VCF-style: chr20-8745806-G-A.
Other names: c.2731G>A, p.Glu911Lys (NM_182734.3); short protein forms E911K.
Identifiers: ClinVar variation 450982 (VCV000450982.3), dbSNP rs1364886743, ClinGen allele CA408208516.